The following is an entry in ClinVar:

NM_015102.5(NPHP4):c.467A>G (p.His156Arg)

Gene: NPHP4 (nephrocystin 4; minus strand). Cytogenetic location: 1p36.31.
Variant type: single nucleotide variant.
Coding change: c.467A>G on transcript NM_015102.5 (MANE Select); coding-DNA position 467, A replaced by G.
Protein change: p.His156Arg; replaces histidine 156 with arginine.
Molecular consequence: missense variant. On other transcripts: 5 prime UTR variant (2), non-coding transcript variant (1).
Genome position (GRCh38, 1-based): chr1:5,967,349, T>C on the plus strand (A>G on the coding strand, the complement: NPHP4 is on the minus strand). VCF-style: chr1-5967349-T-C. GRCh37 (hg19) VCF-style: chr1-6027409-T-C.
Other names: p.His156Arg; c.-763A>G (NM_001291593.2); c.-900A>G (NM_001291594.2); short protein forms H156R.
Identifiers: ClinVar variation 297829 (VCV000297829.21), dbSNP rs199897869, ClinGen allele CA554839.
Genomic context (GRCh38, chr1:5,967,349, plus strand): 5'-TGGCTCTTACGCTCTGCGGGGTCCTGGAGAAGCGGGTGCAGGAGGGCTCTGGGGGTGCCA[T>C]GGTACAGCCGCAACCTGGAAGACAGGACCCAGAGAACAGTCGTCAGCCACGTGCGCACTT-3'
Protein context (NP_055917.1, residues 146-166): ASQDKRLRLY[His156Arg]GTPRALLHPL

ClinVar aggregate classification (germline): Conflicting classifications of pathogenicity. Review status: criteria provided, conflicting classifications (1 of 4 stars). 8 submissions from 7 submitters: Uncertain significance (7); Likely benign (1). Last evaluated 2025-05-04.

Conditions:
Nephronophthisis 4 (NPHP4). Also called: NEPHRONOPHTHISIS 4, JUVENILE. Identifiers: Orphanet 655, MedGen C1847013, MONDO:0011752, OMIM 606966.
Senior-Loken syndrome 4 (SLSN4). Identifiers: Orphanet 3156, MedGen C1846979, MONDO:0011756, OMIM 606996.
Inborn genetic diseases. Identifiers: MedGen C0950123, MeSH D030342.
Nephronophthisis. Also called: Juvenile Nephronophthisis. Identifiers: Orphanet 655, MedGen C0687120, MONDO:0019005, HP:0000090.

Allele frequency attached by ClinVar (database versions not stated): gnomAD 0.00016 and 0.00015; gnomAD exomes 0.00019 and 0.00020; TOPMed 0.00015; ESP Exome Variant Server 0.00016; ExAC 0.00037.
gnomAD v4.1: 313 of 1,606,966 alleles (0.019%); highest among the groups gnomAD compares: Middle Eastern, 0.05%; 1 homozygote.

Submissions (8):

Ambry Genetics
Classification: Uncertain significance for Inborn genetic diseases. Last evaluated: 2025-05-04. Review status: criteria provided, single submitter. Criteria: Ambry Variant Classification Scheme 2023. Collection method: clinical testing. Allele origin: germline.

Blueprint Genetics
Classification: Likely benign. Last evaluated: 2024-09-13. Review status: criteria provided, single submitter. Criteria: ACMG Guidelines, 2015. Collection method: clinical testing. Allele origin: germline.

Fulgent Genetics
Classification: Uncertain significance for Nephronophthisis 4; Senior-Loken syndrome 4. Last evaluated: 2024-06-03. Review status: criteria provided, single submitter. Criteria: ACMG Guidelines, 2015. Collection method: clinical testing. Allele origin: germline.

Mayo Clinic Laboratories, Mayo Clinic
Classification: Uncertain significance. Last evaluated: 2024-05-06. Review status: criteria provided, single submitter. Criteria: ACMG Guidelines, 2015. Collection method: clinical testing. Allele origin: germline. Observed: 1 variant allele.
Comment: BP4

Labcorp Genetics (formerly Invitae), Labcorp
Classification: Uncertain significance for Nephronophthisis. Last evaluated: 2024-01-02. Review status: criteria provided, single submitter. Criteria: Invitae Variant Classification Sherloc (09022015). Collection method: clinical testing. Allele origin: germline.
Comment: This sequence change replaces histidine, which is basic and polar, with arginine, which is basic and polar, at codon 156 of the NPHP4 protein (p.His156Arg). This variant is present in population databases (rs199897869, gnomAD 0.03%). This variant has not been reported in the literature in individuals affected with NPHP4-related conditions. ClinVar contains an entry for this variant (Variation ID: 297829). Advanced modeling of protein sequence and biophysical properties (such as structural, functional, and spatial information, amino acid conservation, physicochemical variation, residue mobility, and thermodynamic stability) performed at Invitae indicates that this missense variant is expected to disrupt NPHP4 protein function with a positive predictive value of 80%. In summary, the available evidence is currently insufficient to determine the role of this variant in disease. Therefore, it has been classified as a Variant of Uncertain Significance.

Illumina Laboratory Services, Illumina
Classification: Uncertain significance for Nephronophthisis 4. Last evaluated: 2018-01-12. Review status: criteria provided, single submitter. Criteria: ICSL Variant Classification Criteria 13 December 2019. Collection method: clinical testing. Allele origin: germline.

Illumina Laboratory Services, Illumina
Classification: Uncertain significance for Senior-Loken syndrome 4. Last evaluated: 2018-01-12. Review status: criteria provided, single submitter. Criteria: ICSL Variant Classification Criteria 13 December 2019. Collection method: clinical testing. Allele origin: germline.

Eurofins Ntd Llc (ga)
Classification: Uncertain significance. Last evaluated: 2017-12-14. Review status: criteria provided, single submitter. Criteria: EGL Classification Definitions 2015. Collection method: clinical testing. Allele origin: germline. Observed: 1 variant allele, 1 heterozygote.